The following is an entry in ClinVar:

NM_001001957.2(OR2W3):c.455G>C (p.Gly152Ala)

Gene: OR2W3 (olfactory receptor family 2 subfamily W member 3; plus strand). Cytogenetic location: 1q44.
Variant type: single nucleotide variant.
Coding change: c.455G>C on transcript NM_001001957.2 (MANE Select); coding-DNA position 455, G replaced by C.
Protein change: p.Gly152Ala; replaces glycine 152 with alanine.
Molecular consequence: missense variant.
Genome position (GRCh38, 1-based): chr1:247,896,041, G>C. VCF-style: chr1-247896041-G-C. GRCh37 (hg19) VCF-style: chr1-248059343-G-C.
Other names: short protein forms G152A.
Identifiers: ClinVar variation 2186629 (VCV002186629.4), dbSNP rs753788610, ClinGen allele CA1498598.
Genomic context (GRCh38, chr1:247,896,041, plus strand): 5'-ACATGGTGATCATGAACCCCAGGCTCTGCCGGGGCTTGGTGTCAGTGACCTGGGGCTGTG[G>C]GGTGGCCAACTCCTTGGCCATGTCTCCTGTGACCCTGCGCTTACCCCGCTGTGGGCACCA-3'
Protein context (NP_001001957.2, residues 142-162): RGLVSVTWGC[Gly152Ala]VANSLAMSPV

ClinVar aggregate classification (germline): Uncertain significance (1 of 4 stars; one submission).

Allele frequency attached by ClinVar (database versions not stated): TOPMed 0.00002; gnomAD 0.00003.
gnomAD v4.1: 30 of 1,613,648 alleles (0.0019%); highest among the groups gnomAD compares: East Asian, 0.051%; no homozygotes.

Submission:

Labcorp Genetics (formerly Invitae), Labcorp
Classification: Uncertain significance. Last evaluated: 2022-04-23. Review status: criteria provided, single submitter. Criteria: Invitae Variant Classification Sherloc (09022015). Collection method: clinical testing. Allele origin: germline.
Comment: This sequence change replaces glycine, which is neutral and non-polar, with alanine, which is neutral and non-polar, at codon 152 of the OR2W3 protein (p.Gly152Ala). This variant is present in population databases (rs753788610, gnomAD 0.03%). In summary, the available evidence is currently insufficient to determine the role of this variant in disease. Therefore, it has been classified as a Variant of Uncertain Significance. Algorithms developed to predict the effect of missense changes on protein structure and function (SIFT, PolyPhen-2, Align-GVGD) all suggest that this variant is likely to be disruptive. This variant has not been reported in the literature in individuals affected with OR2W3-related conditions.